The following is an entry in ClinVar:

NM_003238.6(TGFB2):c.302AGG[1] (p.Glu102del)

Gene: TGFB2 (transforming growth factor beta 2; plus strand). Cytogenetic location: 1q41.
Variant type: Microsatellite.
Coding change: c.302AGG[1] on transcript NM_003238.6 (MANE Select); one copy of the 3-base unit AGG starting at c.302; the reference has two copies in a row; one copy, 3 bases deleted.
Protein change: p.Glu102del; deletes glutamic acid 102.
Molecular consequence: inframe deletion. On other transcripts: non-coding transcript variant (2).
Genome position (GRCh38, 1-based): chr1:218,347,006-218,347,008, AGG deleted; deleting any 3 consecutive bases within chr1:218,347,003-218,347,008 gives the same sequence; the position shown is the placement nearest the transcript's 3' end. VCF-style (leftmost placement, unchanged base first): chr1-218347002-AAGG-A. GRCh37 (hg19) VCF-style: chr1-218520344-AAGG-A.
Other names: c.302AGG[1], p.Glu102del (NM_001135599.4); short protein forms E102del.
Identifiers: ClinVar variation 962501 (VCV000962501.16), dbSNP rs1656708526, ClinGen allele CA658820899.
Genomic context (GRCh38, chr1:218,347,002, plus strand): 5'-AAGGCGAGCCGGAGGGCGGCCGCCTGCGAGCGCGAGAGGAGCGACGAAGAGTACTACGCC[AAGG>A]AGGTTTACAAAATAGACATGCCGCCCTTCTTCCCCTCCGAAAGTAAGTACTTATTTTGAC-3'

ClinVar aggregate classification (germline): Uncertain significance. Review status: criteria provided, multiple submitters, no conflicts (2 of 4 stars). 2 submissions from 2 submitters: Uncertain significance (2). Last evaluated 2023-08-18.

Conditions:
Loeys-Dietz syndrome 4 (LDS4). Also called: ANEURYSM, AORTIC AND CEREBRAL, WITH ARTERIAL TORTUOSITY AND SKELETAL MANIFESTATIONS; TGFB2-Related Loeys-Dietz Syndrome. Identifiers: MedGen C3553762, MONDO:0013897, OMIM 614816.

Submissions (2):

GeneDx
Classification: Uncertain significance. Last evaluated: 2023-08-18. Review status: criteria provided, single submitter. Criteria: GeneDx Variant Classification Process June 2021. Collection method: clinical testing. Allele origin: germline. Affected: yes.
Comment: Identified in a patient with Loeys-Dietz syndrome in published literature (Schepers et al., 2018); Not observed in large population cohorts (gnomAD); In silico analysis, which includes protein predictors and evolutionary conservation, supports a deleterious effect; In-frame deletion of 1 amino acids in a non-repeat region; This variant is associated with the following publications: (PMID: 29392890)

Labcorp Genetics (formerly Invitae), Labcorp
Classification: Uncertain significance for Loeys-Dietz syndrome 4. Last evaluated: 2022-08-31. Review status: criteria provided, single submitter. Criteria: Invitae Variant Classification Sherloc (09022015). Collection method: clinical testing. Allele origin: germline.
Comment: ClinVar contains an entry for this variant (Variation ID: 962501). Algorithms developed to predict the effect of sequence changes on RNA splicing suggest that this variant may create or strengthen a splice site. In summary, the available evidence is currently insufficient to determine the role of this variant in disease. Therefore, it has been classified as a Variant of Uncertain Significance. This variant, c.305_307del, results in the deletion of 1 amino acid(s) of the TGFB2 protein (p.Glu102del), but otherwise preserves the integrity of the reading frame. This variant is not present in population databases (gnomAD no frequency). This variant has been observed in individual(s) with clinical features of Loeys-Dietz syndrome (PMID: 29392890).

Literature cited by the submitters: PubMed 29392890 (cited by Labcorp Genetics (formerly Invitae), Labcorp).